The following is an entry in ClinVar:

NM_000552.5(VWF):c.4160G>T (p.Ser1387Ile)

Gene: VWF (von Willebrand factor; minus strand). Cytogenetic location: 12p13.31.
Variant type: single nucleotide variant.
Coding change: c.4160G>T on transcript NM_000552.5 (MANE Select); coding-DNA position 4160, G replaced by T.
Protein change: p.Ser1387Ile; replaces serine 1387 with isoleucine.
Molecular consequence: missense variant.
Genome position (GRCh38, 1-based): chr12:6,019,258, C>A on the plus strand (G>T on the coding strand, the complement: VWF is on the minus strand). VCF-style: chr12-6019258-C-A. GRCh37 (hg19) VCF-style: chr12-6128424-C-A.
Other names: p.Ser1387Ile; short protein forms S1387I.
Identifiers: ClinVar variation 619751 (VCV000619751.3), dbSNP rs1565832072, ClinGen allele CA383504344.

ClinVar aggregate classification (germline): Likely pathogenic. Review status: criteria provided, multiple submitters, no conflicts (2 of 4 stars). 2 submissions from 2 submitters: Likely pathogenic (2). Last evaluated 2026-07-12.

Conditions:
von Willebrand disease type 1 (VWD1). Also called: VON WILLEBRAND DISEASE, TYPE I; VWD, TYPE 1. Identifiers: Orphanet 166078, Orphanet 903, MedGen C1264039, MONDO:0008668, OMIM 193400. Inheritance: autosomal recessive or autosomal dominant.

Submissions (2):

Department of Pediatrics, Duzce University
Classification: Likely pathogenic for von Willebrand disease type 1. Last evaluated: 2026-07-12. Review status: criteria provided, single submitter. Criteria: ACMG Guidelines, 2015. Collection method: research. Allele origin: germline. Inheritance: Autosomal dominant inheritance. Affected: yes. Observed: 1 variant allele, 1 heterozygote.
Comment: Heterozygous; Independent ClinVar confirmation pending; segregation/Sanger recommended.

Quest Diagnostics Nichols Institute San Juan Capistrano
Classification: Likely pathogenic. Last evaluated: 2018-01-25. Review status: criteria provided, single submitter. Criteria: Quest Diagnostics criteria. Collection method: clinical testing. Allele origin: germline.